The following is an entry in ClinVar:

NM_000053.4(ATP7B):c.2039A>G (p.Gln680Arg)

Gene: ATP7B (ATPase copper transporting beta; minus strand). Cytogenetic location: 13q14.3.
Variant type: single nucleotide variant.
Coding change: c.2039A>G on transcript NM_000053.4 (MANE Select); coding-DNA position 2039, A replaced by G.
Protein change: p.Gln680Arg; replaces glutamine 680 with arginine.
Molecular consequence: missense variant. On other transcripts: intron variant (2).
Genome position (GRCh38, 1-based): chr13:51,960,230, T>C on the plus strand (A>G on the coding strand, the complement: ATP7B is on the minus strand). VCF-style: chr13-51960230-T-C. GRCh37 (hg19) VCF-style: chr13-52534366-T-C.
Other names: c.1706A>G, p.Gln569Arg (NM_001243182.2); c.2039A>G, p.Gln680Arg (NM_001330578.2, NM_001406511.1, NM_001406512.1 and 16 more transcripts); c.2006A>G, p.Gln669Arg (NM_001406514.1, NM_001406524.1); c.1943A>G, p.Gln648Arg (NM_001406517.1, NM_001406518.1, NM_001406530.1 and 1 more transcripts); c.1610A>G, p.Gln537Arg (NM_001406539.1); c.1870-2623A>G (NM_001005918.3); c.1870-1686A>G (NM_001330579.2); short protein forms Q669R, Q680R, Q537R, Q569R, Q648R.
Identifiers: ClinVar variation 1948955 (VCV001948955.5), dbSNP rs1958639949, ClinGen allele CA388025243.

ClinVar aggregate classification (germline): Uncertain significance (1 of 4 stars; one submission).

Conditions:
Wilson disease (WND). Also called: Wilson's disease. Identifiers: Orphanet 905, MedGen C0019202, MONDO:0010200, OMIM 277900. Disease mechanism: loss of function.

gnomAD v4.1: 1 of 1,613,972 alleles (0.000062%); no homozygotes.

Submission:

Labcorp Genetics (formerly Invitae), Labcorp
Classification: Uncertain significance for Wilson disease. Last evaluated: 2023-10-13. Review status: criteria provided, single submitter. Criteria: Invitae Variant Classification Sherloc (09022015). Collection method: clinical testing. Allele origin: germline.
Comment: This sequence change replaces glutamine, which is neutral and polar, with arginine, which is basic and polar, at codon 680 of the ATP7B protein (p.Gln680Arg). This variant is not present in population databases (gnomAD no frequency). This variant has not been reported in the literature in individuals affected with ATP7B-related conditions. ClinVar contains an entry for this variant (Variation ID: 1948955). Advanced modeling of protein sequence and biophysical properties (such as structural, functional, and spatial information, amino acid conservation, physicochemical variation, residue mobility, and thermodynamic stability) performed at Invitae indicates that this missense variant is not expected to disrupt ATP7B protein function. In summary, the available evidence is currently insufficient to determine the role of this variant in disease. Therefore, it has been classified as a Variant of Uncertain Significance.